The following is an entry in ClinVar:

ClinVar aggregate classification (germline): Uncertain significance. Review status: criteria provided, multiple submitters, no conflicts (2 of 4 stars). 2 submissions from 2 submitters: Uncertain significance (2). Last evaluated 2025-04-25.

Allele frequency attached by ClinVar (database versions not stated): gnomAD exomes 0.00001.

Submissions (2):

Women's Health and Genetics/Laboratory Corporation of America, LabCorp
Classification: Uncertain significance. Last evaluated: 2025-04-25. Review status: criteria provided, single submitter. Criteria: LabCorp Variant Classification Summary - May 2015. Collection method: clinical testing. Allele origin: germline.
Comment: Variant summary: FGD1 c.2693G>A (p.Ser898Asn) results in a conservative amino acid change located in the Pleckstrin homology domain (IPR001849) of the encoded protein sequence. Four of five in-silico tools predict a benign effect of the variant on protein function. The variant allele was found at a frequency of 5.5e-06 in 181014 control chromosomes. The available data on variant occurrences in the general population are insufficient to allow any conclusion about variant significance. To our knowledge, no occurrence of c.2693G>A in individuals affected with FGFR1-Related Disorders and no experimental evidence demonstrating its impact on protein function have been reported. ClinVar contains an entry for this variant (Variation ID: 1311147). Based on the evidence outlined above, the variant was classified as uncertain significance.

GeneDx
Classification: Uncertain significance. Last evaluated: 2020-01-14. Review status: criteria provided, single submitter. Criteria: GeneDx Variant Classification Process June 2021. Collection method: clinical testing. Allele origin: germline. Affected: yes.
Comment: Not observed at a significant frequency in large population cohorts (Lek et al., 2016); In silico analysis, which includes protein predictors and evolutionary conservation, supports that this variant does not alter protein structure/function; Has not been previously published as pathogenic or benign to our knowledge

NM_004463.3(FGD1):c.2693G>A (p.Ser898Asn)

Genes: FGD1 (FYVE, RhoGEF and PH domain containing 1; minus strand), TSR2 (TSR2 ribosome maturation factor; plus strand). Cytogenetic location: Xp11.22.
Variant type: single nucleotide variant.
Coding change: c.2693G>A on transcript NM_004463.3 (MANE Select); coding-DNA position 2693, G replaced by A.
Protein change: p.Ser898Asn; replaces serine 898 with asparagine.
Molecular consequence: missense variant. On other transcripts: 3 prime UTR variant (5).
Genome position (GRCh38, 1-based): chrX:54,446,302, C>T on the plus strand (G>A on the coding strand, the complement: FGD1 is on the minus strand). VCF-style: chrX-54446302-C-T. GRCh37 (hg19) VCF-style: chrX-54472735-C-T.
Other names: c.*1752C>T (NM_001346789.2, NM_001346790.2, NM_001346791.2 and 2 more transcripts); short protein forms S898N.
Identifiers: ClinVar variation 1311147 (VCV001311147.4), dbSNP rs1462359223, ClinGen allele CA413358094.